The following is an entry in ClinVar:

NM_025114.4(CEP290):c.6187A>T (p.Lys2063Ter)

Gene: CEP290 (centrosomal protein 290; minus strand). Cytogenetic location: 12q21.32.
Variant type: single nucleotide variant.
Coding change: c.6187A>T on transcript NM_025114.4 (MANE Select); coding-DNA position 6187, A replaced by T.
Protein change: p.Lys2063Ter; replaces lysine 2063 with a stop codon.
Molecular consequence: nonsense.
Genome position (GRCh38, 1-based): chr12:88,064,064, T>A on the plus strand (A>T on the coding strand, the complement: CEP290 is on the minus strand). VCF-style: chr12-88064064-T-A. GRCh37 (hg19) VCF-style: chr12-88457841-T-A.
Other names: short protein forms K2063*.
Identifiers: ClinVar variation 1368057 (VCV001368057.6), dbSNP rs2136814350, ClinGen allele CA385979815.

ClinVar aggregate classification (germline): Pathogenic (1 of 4 stars; one submission).

Conditions:
Joubert syndrome. Also called: CEREBELLOPARENCHYMAL DISORDER IV; JOUBERT-BOLTSHAUSER SYNDROME; Familial aplasia of the vermis. Identifiers: Orphanet 475, MedGen C5979921, MONDO:0018772.
Nephronophthisis. Also called: Juvenile Nephronophthisis. Identifiers: Orphanet 655, MedGen C0687120, MONDO:0019005, HP:0000090.
Meckel-Gruber syndrome. Also called: DYSENCEPHALIA SPLANCHNOCYSTICA; GRUBER SYNDROME; Dysencephalia splachnocystica. Identifiers: Orphanet 564, MedGen C0265215, MONDO:0018921.

Submission:

Labcorp Genetics (formerly Invitae), Labcorp
Classification: Pathogenic for Joubert syndrome; Meckel-Gruber syndrome; Nephronophthisis. Last evaluated: 2021-05-27. Review status: criteria provided, single submitter. Criteria: Invitae Variant Classification Sherloc (09022015). Collection method: clinical testing. Allele origin: germline.
Comment: For these reasons, this variant has been classified as Pathogenic. Algorithms developed to predict the effect of sequence changes on RNA splicing suggest that this variant may create or strengthen a splice site, but this prediction has not been confirmed by published transcriptional studies. This variant has not been reported in the literature in individuals with CEP290-related conditions. This variant is not present in population databases (ExAC no frequency). This sequence change creates a premature translational stop signal (p.Lys2063*) in the CEP290 gene. It is expected to result in an absent or disrupted protein product. Loss-of-function variants in CEP290 are known to be pathogenic (PMID: 16909394, 17345604, 20690115).

Literature cited by the submitters: PubMed 16909394; PubMed 17345604; PubMed 20690115.